The following is an entry in ClinVar:

ClinVar aggregate classification (germline): Uncertain significance (1 of 4 stars; one submission).

Allele frequency attached by ClinVar (database versions not stated): gnomAD 0.00001; gnomAD exomes 0.00001; ExAC 0.00002.
gnomAD v4.1: 22 of 1,614,116 alleles (0.0014%); highest among the groups gnomAD compares: South Asian, 0.0055%; 1 homozygote.

Submission:

Labcorp Genetics (formerly Invitae), Labcorp
Classification: Uncertain significance. Last evaluated: 2022-03-18. Review status: criteria provided, single submitter. Criteria: Invitae Variant Classification Sherloc (09022015). Collection method: clinical testing. Allele origin: germline.
Comment: This sequence change replaces proline, which is neutral and non-polar, with leucine, which is neutral and non-polar, at codon 174 of the TNFRSF9 protein (p.Pro174Leu). This variant is present in population databases (rs776774122, gnomAD 0.01%). This variant has not been reported in the literature in individuals affected with TNFRSF9-related conditions. Algorithms developed to predict the effect of missense changes on protein structure and function output the following: SIFT: "Tolerated"; PolyPhen-2: "Benign"; Align-GVGD: "Class C0". The leucine amino acid residue is found in multiple mammalian species, which suggests that this missense change does not adversely affect protein function. In summary, the available evidence is currently insufficient to determine the role of this variant in disease. Therefore, it has been classified as a Variant of Uncertain Significance.

NM_001561.6(TNFRSF9):c.521C>T (p.Pro174Leu)

Gene: TNFRSF9 (TNF receptor superfamily member 9; minus strand). Cytogenetic location: 1p36.23.
Variant type: single nucleotide variant.
Coding change: c.521C>T on transcript NM_001561.6 (MANE Select); coding-DNA position 521, C replaced by T.
Protein change: p.Pro174Leu; replaces proline 174 with leucine.
Molecular consequence: missense variant.
Genome position (GRCh38, 1-based): chr1:7,935,036, G>A on the plus strand (C>T on the coding strand, the complement: TNFRSF9 is on the minus strand). VCF-style: chr1-7935036-G-A. GRCh37 (hg19) VCF-style: chr1-7995096-G-A.
Other names: short protein forms P174L.
Identifiers: ClinVar variation 1966638 (VCV001966638.4), dbSNP rs776774122, ClinGen allele CA569199.